The following is an entry in ClinVar:

ClinVar aggregate classification (germline): Uncertain significance (1 of 4 stars; one submission).

Submission:

GeneDx
Classification: Uncertain significance. Last evaluated: 2025-06-18. Review status: criteria provided, single submitter. Criteria: GeneDx Variant Classification Process June 2021. Collection method: clinical testing. Allele origin: germline. Affected: yes.
Comment: Not observed at significant frequency in large population cohorts (gnomAD); In silico analysis supports that this missense variant has a deleterious effect on protein structure/function; Has not been previously published as pathogenic or benign to our knowledge

NM_033380.3(COL4A5):c.2188C>A (p.Pro730Thr)

Gene: COL4A5 (collagen type IV alpha 5 chain; plus strand). Cytogenetic location: Xq22.3.
Variant type: single nucleotide variant.
Coding change: c.2188C>A on transcript NM_033380.3 (MANE Select); coding-DNA position 2188, C replaced by A.
Protein change: p.Pro730Thr; replaces proline 730 with threonine.
Molecular consequence: missense variant.
Genome position (GRCh38, 1-based): chrX:108,603,005, C>A. VCF-style: chrX-108603005-C-A. GRCh37 (hg19) VCF-style: chrX-107846235-C-A.
Other names: c.2188C>A, p.Pro730Thr (NM_000495.5); short protein forms P730T.
Identifiers: ClinVar variation 4538955 (VCV004538955.1).